The following is an entry in ClinVar:

NM_014423.4(AFF4):c.84C>A (p.Phe28Leu)

Gene: AFF4 (ALF transcription elongation factor 4; minus strand). Cytogenetic location: 5q31.1.
Variant type: single nucleotide variant.
Coding change: c.84C>A on transcript NM_014423.4 (MANE Select); coding-DNA position 84, C replaced by A.
Protein change: p.Phe28Leu; replaces phenylalanine 28 with leucine.
Molecular consequence: missense variant.
Genome position (GRCh38, 1-based): chr5:132,937,106, G>T on the plus strand (C>A on the coding strand, the complement: AFF4 is on the minus strand). VCF-style: chr5-132937106-G-T. GRCh37 (hg19) VCF-style: chr5-132272798-G-T.
Other names: short protein forms F28L.
Identifiers: ClinVar variation 3618978 (VCV003618978.2).
Genomic context (GRCh38, chr5:132,937,106, plus strand): 5'-ATTCACAGAAGGGCAACTTACAACTTTGTATGGCTCTGCAAAGAGAGGAGAGCTAGGTGG[G>T]AAGGCGTCTTCGCCCTGCTGAATTTCCTGATTCCGCCTTTCCCGTTCTTTCATACGCAGC-3'
Protein context (NP_055238.1, residues 18-38): NQEIQQGEDA[Phe28Leu]PPSSPLFAEP

ClinVar aggregate classification (germline): Uncertain significance (1 of 4 stars; one submission).

Conditions:
Cognitive impairment - coarse facies - heart defects - obesity - pulmonary involvement - short stature - skeletal dysplasia syndrome. Also called: AFF4-Related CHOPS Syndrome; COGNITIVE IMPAIRMENT, COARSE FACIES, HEART DEFECTS, OBESITY, PULMONARY INVOLVEMENT, SHORT STATURE, AND SKELETAL DYSPLASIA; Chops syndrome. Identifiers: Orphanet 444077, MedGen C4085597, MONDO:0014609, OMIM 616368.

gnomAD v4.1: 3 of 1,613,808 alleles (0.00019%); highest among the groups gnomAD compares: Non-Finnish European, 0.00025%; no homozygotes.

Submission:

Labcorp Genetics (formerly Invitae), Labcorp
Classification: Uncertain significance for Cognitive impairment - coarse facies - heart defects - obesity - pulmonary involvement - short stature - skeletal dysplasia syndrome. Last evaluated: 2024-05-09. Review status: criteria provided, single submitter. Criteria: Invitae Variant Classification Sherloc (09022015). Collection method: clinical testing. Allele origin: germline.
Comment: This sequence change replaces phenylalanine, which is neutral and non-polar, with leucine, which is neutral and non-polar, at codon 28 of the AFF4 protein (p.Phe28Leu). This variant is present in population databases (no rsID available, gnomAD 0.0009%). This variant has not been reported in the literature in individuals affected with AFF4-related conditions. Advanced modeling of protein sequence and biophysical properties (such as structural, functional, and spatial information, amino acid conservation, physicochemical variation, residue mobility, and thermodynamic stability) performed at Invitae indicates that this missense variant is not expected to disrupt AFF4 protein function with a negative predictive value of 80%. In summary, the available evidence is currently insufficient to determine the role of this variant in disease. Therefore, it has been classified as a Variant of Uncertain Significance.